The following is an entry in ClinVar:

ClinVar aggregate classification (germline): Likely benign. Review status: criteria provided, multiple submitters, no conflicts (2 of 4 stars). 7 submissions from 7 submitters: Likely benign (7). Last evaluated 2026-04-01.

Conditions:
Cardiovascular phenotype. Identifiers: MedGen CN230736.
Hypertrophic cardiomyopathy 13. Also called: TNNC1-Related Familial Hypertrophic Cardiomyopathy. Identifiers: MedGen C2750472, MONDO:0013195, OMIM 613243.
Dilated cardiomyopathy 1Z (CMD1Z). Identifiers: Orphanet 154, MedGen C2678475, MONDO:0012745, OMIM 611879.

Allele frequency attached by ClinVar (database versions not stated): TOPMed 0.00002.

Submissions (7):

CeGaT Center for Human Genetics Tuebingen
Classification: Likely benign. Last evaluated: 2026-04-01. Review status: criteria provided, single submitter. Criteria: CeGaT Center For Human Genetics Tuebingen Variant Classification Criteria Version 2. Collection method: clinical testing. Allele origin: germline. Affected: yes. Observed: 3 variant alleles.
Comment: TNNC1: BP4, BP7

Labcorp Genetics (formerly Invitae), Labcorp
Classification: Likely benign for Hypertrophic cardiomyopathy 13; Dilated cardiomyopathy 1Z. Last evaluated: 2025-12-20. Review status: criteria provided, single submitter. Criteria: Invitae Variant Classification Sherloc (09022015). Collection method: clinical testing. Allele origin: germline.

Blueprint Genetics
Classification: Likely benign. Last evaluated: 2023-11-24. Review status: criteria provided, single submitter. Criteria: ACMG Guidelines, 2015. Collection method: clinical testing. Allele origin: germline.

Ambry Genetics
Classification: Likely benign for Cardiovascular phenotype. Last evaluated: 2020-12-08. Review status: criteria provided, single submitter. Criteria: Ambry Variant Classification Scheme 2023. Collection method: clinical testing. Allele origin: germline.

GeneDx
Classification: Likely benign. Last evaluated: 2018-07-06. Review status: criteria provided, single submitter. Criteria: GeneDx Variant Classification Process June 2021. Collection method: clinical testing. Allele origin: germline. Affected: yes.

Laboratory for Molecular Medicine, Mass General Brigham Personalized Medicine
Classification: Likely benign. Last evaluated: 2015-04-09. Review status: criteria provided, single submitter. Criteria: LMM Criteria. Collection method: clinical testing. Allele origin: germline. Observed: 1 variant allele.
Comment: p.Asp145Asp in exon 5 of TNNC1: This variant is not expected to have clinical si gnificance because it does not alter an amino acid residue and is not located wi thin the splice consensus sequence. It has also been identified in 1/66086 Europ ean chromosomes and 1/11540 Latino chromosomes by the Exome Aggregation Consorti um (ExAC).

Breakthrough Genomics
Classification: Likely benign. Review status: criteria provided, single submitter. Criteria: ACMG Guidelines, 2015. Collection method: not provided. Allele origin: germline. Inheritance: Autosomal dominant inheritance. Affected: yes.

NM_003280.3(TNNC1):c.435C>T (p.Asp145=)

Gene: TNNC1 (troponin C1, slow skeletal and cardiac type; minus strand). Cytogenetic location: 3p21.1.
Variant type: single nucleotide variant.
Coding change: c.435C>T on transcript NM_003280.3 (MANE Select); coding-DNA position 435, C replaced by T.
Protein change: p.Asp145=; no amino-acid change (aspartic acid 145 retained).
Molecular consequence: synonymous variant.
Genome position (GRCh38, 1-based): chr3:52,451,410, G>A on the plus strand (C>T on the coding strand, the complement: TNNC1 is on the minus strand). VCF-style: chr3-52451410-G-A. GRCh37 (hg19) VCF-style: chr3-52485426-G-A.
Identifiers: ClinVar variation 228016 (VCV000228016.48), dbSNP rs267607124, ClinGen allele CA2438492.
Genomic context (GRCh38, chr3:52,451,410, plus strand): 5'-CAGGGCATGGAGGCAGGAGATCAGCCCACCCACCCGCTTACCATCATAGTCGATGCGGCC[G>A]TCGTTGTTCTTGTCTCCGTCCTTCATGAGCTCCTCGATGTCGTCCTCCGTGATGGTCTCG-3'
Protein context (NP_003271.1, residues 135-155): ELMKDGDKNN[Asp145=]GRIDYDEFLE